The following is an entry in ClinVar:

ClinVar aggregate classification (germline): Likely benign. Review status: criteria provided, multiple submitters, no conflicts (2 of 4 stars). 3 submissions from 3 submitters: Likely benign (2). 1 of the submissions does not count toward it. Last evaluated 2025-09-01.

Conditions:
DCPS-related disorder. Also called: DCPS-related condition.

Allele frequency attached by ClinVar (database versions not stated): ESP Exome Variant Server 0.00092; 1000 Genomes Project 30x 0.00094; TOPMed 0.00110; gnomAD 0.00119 and 0.00121; 1000 Genomes Project 0.00120; gnomAD exomes 0.00154; ExAC 0.00173.
gnomAD v4.1: 2,530 of 1,614,142 alleles (0.16%); highest among the groups gnomAD compares: Middle Eastern, 0.31%; 6 homozygotes.

Submissions (3):

CeGaT Center for Human Genetics Tuebingen
Classification: Likely benign. Last evaluated: 2025-09-01. Review status: criteria provided, single submitter. Criteria: CeGaT Center For Human Genetics Tuebingen Variant Classification Criteria Version 2. Collection method: clinical testing. Allele origin: germline. Affected: yes. Observed: 4 variant alleles.
Comment: DCPS: BS2

Labcorp Genetics (formerly Invitae), Labcorp
Classification: Likely benign. Last evaluated: 2019-12-31. Review status: criteria provided, single submitter. Criteria: Invitae Variant Classification Sherloc (09022015). Collection method: clinical testing. Allele origin: germline.

PreventionGenetics, part of Exact Sciences
Classification: Likely benign for DCPS-related condition. Last evaluated: 2022-03-09. Review status: no assertion criteria provided. Collection method: clinical testing. Allele origin: germline. Not counted in ClinVar's aggregate classification.
Comment: This variant is classified as likely benign based on ACMG/AMP sequence variant interpretation guidelines (Richards et al. 2015 PMID: 25741868, with internal and published modifications).

NM_014026.6(DCPS):c.868T>G (p.Ser290Ala)

Genes: DCPS (decapping enzyme, scavenger; plus strand), GSEC (G-quadruplex forming sequence containing lncRNA; minus strand). Cytogenetic location: 11q24.2.
Variant type: single nucleotide variant.
Coding change: c.868T>G on transcript NM_014026.6 (MANE Select); coding-DNA position 868, T replaced by G.
Protein change: p.Ser290Ala; replaces serine 290 with alanine.
Molecular consequence: missense variant.
Genome position (GRCh38, 1-based): chr11:126,345,467, T>G. VCF-style: chr11-126345467-T-G. GRCh37 (hg19) VCF-style: chr11-126215362-T-G.
Other names: c.889T>G, p.Ser297Ala (NM_001350236.2); short protein forms S290A, S297A.
Identifiers: ClinVar variation 782778 (VCV000782778.29), dbSNP rs143135288, ClinGen allele CA6355178.